The following is an entry in ClinVar:

ClinVar aggregate classification (germline): Uncertain significance (1 of 4 stars; one submission).

Conditions:
Hypertrophic cardiomyopathy. Also called: HYPERTROPHIC MYOCARDIOPATHY. Identifiers: Orphanet 217569, MedGen C0007194, MeSH D002312, MONDO:0005045, HP:0001639.

Submission:

Labcorp Genetics (formerly Invitae), Labcorp
Classification: Uncertain significance for Hypertrophic cardiomyopathy. Last evaluated: 2022-05-15. Review status: criteria provided, single submitter. Criteria: Invitae Variant Classification Sherloc (09022015). Collection method: clinical testing. Allele origin: germline.
Comment: This variant, c.4850_4852dup, results in the insertion of 1 amino acid(s) of the MYH7 protein (p.Lys1617dup), but otherwise preserves the integrity of the reading frame. This variant is not present in population databases (gnomAD no frequency). This variant has not been reported in the literature in individuals affected with MYH7-related conditions. Experimental studies and prediction algorithms are not available or were not evaluated, and the functional significance of this variant is currently unknown. In summary, the available evidence is currently insufficient to determine the role of this variant in disease. Therefore, it has been classified as a Variant of Uncertain Significance.

NM_000257.4(MYH7):c.4844AGA[4] (p.Lys1617_Met1618insLys)

Genes: MHRT (myosin heavy chain associated RNA transcript; plus strand), MYH7 (myosin heavy chain 7; minus strand), LOC126861897 (BRD4-independent group 4 enhancer GRCh37_chr14:23884455-23885654; plus strand). Cytogenetic location: 14q11.2.
Variant type: Microsatellite.
Coding change: c.4844AGA[4] on transcript NM_000257.4 (MANE Select); four copies in a row of the 3-base unit AGA starting at c.4844; the reference has three copies in a row; one copy, 3 bases duplicated.
Protein change: p.Lys1617_Met1618insLys.
Molecular consequence: inframe insertion. On other transcripts: non-coding transcript variant (1), inframe indel (1).
Genome position (GRCh38, 1-based): chr14:23,416,105-23,416,107, TCT duplicated on the plus strand (AGA on the coding strand, the reverse complement: MYH7 is on the minus strand); duplicating any 3 consecutive bases within chr14:23,416,105-23,416,115 gives the same sequence; the position shown is the placement nearest the transcript's 3' end. VCF-style (leftmost placement, unchanged base first): chr14-23416104-A-ATCT. GRCh37 (hg19) VCF-style: chr14-23885313-A-ATCT.
Other names: c.4842_4844GAA[4], p.Lys1617_Met1618insLys (NM_001407004.1).
Identifiers: ClinVar variation 2142196 (VCV002142196.4), dbSNP rs121913648, ClinGen allele CA2580616566.